The following is an entry in ClinVar:

ClinVar aggregate classification (germline): Uncertain significance (1 of 4 stars; one submission).

Conditions:
Ehlers-Danlos syndrome, type 4 (EDSVASC). Also called: Ehlers-Danlos syndrome vascular type; Ehlers Danlos syndrome, ecchymotic type; Ehlers Danlos syndrome, arterial type; Ehlers Danlos syndrome, Sack-Barabas type; Ehlers-Danlos Syndrome Type IV. Identifiers: Orphanet 286, MedGen C0268338, MONDO:0017314, OMIM 130050.

Submission:

Labcorp Genetics (formerly Invitae), Labcorp
Classification: Uncertain significance for Ehlers-Danlos syndrome, type 4. Last evaluated: 2017-11-16. Review status: criteria provided, single submitter. Criteria: Invitae Variant Classification Sherloc (09022015). Collection method: clinical testing. Allele origin: germline.
Comment: This sequence change replaces proline with leucine at codon 1440 of the COL3A1 protein (p.Pro1440Leu). The proline residue is highly conserved and there is a moderate physicochemical difference between proline and leucine. This variant has been reported in the literature in an individual affected with COL3A1-related disease (PMID: 25846194). This variant is not present in population databases (ExAC no frequency). Algorithms developed to predict the effect of missense changes on protein structure and function do not agree on the potential impact of this missense change (SIFT: "Deleterious"; PolyPhen-2: "Probably damaging"; Align-GVGD: "Class C0"). In summary, the available evidence is currently insufficient to determine the role of this variant in disease. Therefore, it has been classified as a Variant of Uncertain Significance.

Literature cited by the submitters: PubMed 25846194.

NM_000090.4(COL3A1):c.4319C>T (p.Pro1440Leu)

Gene: COL3A1 (collagen type III alpha 1 chain; plus strand). Cytogenetic location: 2q32.2.
Variant type: single nucleotide variant.
Coding change: c.4319C>T on transcript NM_000090.4 (MANE Select); coding-DNA position 4319, C replaced by T.
Protein change: p.Pro1440Leu; replaces proline 1440 with leucine.
Molecular consequence: missense variant.
Genome position (GRCh38, 1-based): chr2:189,011,692, C>T. VCF-style: chr2-189011692-C-T. GRCh37 (hg19) VCF-style: chr2-189876418-C-T.
Other names: short protein forms P1440L.
Identifiers: ClinVar variation 529318 (VCV000529318.9), dbSNP rs1553510005, ClinGen allele CA349850332.